The following is an entry in ClinVar:

NM_000704.3(ATP4A):c.598G>A (p.Asp200Asn)

Gene: ATP4A (ATPase H+/K+ transporting subunit alpha; minus strand). Cytogenetic location: 19q13.12.
Variant type: single nucleotide variant.
Coding change: c.598G>A on transcript NM_000704.3 (MANE Select); coding-DNA position 598, G replaced by A.
Protein change: p.Asp200Asn; replaces aspartic acid 200 with asparagine.
Molecular consequence: missense variant.
Genome position (GRCh38, 1-based): chr19:35,560,552, C>T on the plus strand (G>A on the coding strand, the complement: ATP4A is on the minus strand). VCF-style: chr19-35560552-C-T. GRCh37 (hg19) VCF-style: chr19-36051454-C-T.
Other names: c.598G>A (NM_000704.2); short protein forms D200N.
Identifiers: ClinVar variation 1351623 (VCV001351623.10), dbSNP rs200594437, ClinGen allele CA9381341.

ClinVar aggregate classification (germline): Uncertain significance. Review status: criteria provided, multiple submitters, no conflicts (2 of 4 stars). 2 submissions from 2 submitters: Uncertain significance (2). Last evaluated 2025-12-08.

Allele frequency attached by ClinVar (database versions not stated): TOPMed 0.00018.
gnomAD v4.1: 431 of 1,613,364 alleles (0.027%); highest among the groups gnomAD compares: Non-Finnish European, 0.035%; no homozygotes.

Submissions (2):

Labcorp Genetics (formerly Invitae), Labcorp
Classification: Uncertain significance. Last evaluated: 2025-12-08. Review status: criteria provided, single submitter. Criteria: Invitae Variant Classification Sherloc (09022015). Collection method: clinical testing. Allele origin: germline.
Comment: This sequence change replaces aspartic acid, which is acidic and polar, with asparagine, which is neutral and polar, at codon 200 of the ATP4A protein (p.Asp200Asn). This variant is present in population databases (rs200594437, gnomAD 0.02%). This variant has not been reported in the literature in individuals affected with ATP4A-related conditions. ClinVar contains an entry for this variant (Variation ID: 1351623). Invitae Evidence Modeling of protein sequence and biophysical properties (such as structural, functional, and spatial information, amino acid conservation, physicochemical variation, residue mobility, and thermodynamic stability) indicates that this missense variant is expected to disrupt ATP4A protein function with a positive predictive value of 80%. In summary, the available evidence is currently insufficient to determine the role of this variant in disease. Therefore, it has been classified as a Variant of Uncertain Significance.

Ambry Genetics
Classification: Uncertain significance. Last evaluated: 2024-07-22. Review status: criteria provided, single submitter. Criteria: Ambry Variant Classification Scheme 2023. Collection method: clinical testing. Allele origin: germline.